The following is an entry in ClinVar:

ClinVar aggregate classification (germline): Likely benign. Review status: criteria provided, multiple submitters, no conflicts (2 of 4 stars). 3 submissions from 3 submitters: Likely benign (3). Last evaluated 2025-02-18.

Conditions:
Hereditary cancer-predisposing syndrome. Also called: Tumor predisposition; Neoplastic Syndromes, Hereditary; Hereditary neoplastic syndrome; Hereditary Cancer Syndrome. Identifiers: Orphanet 140162, MedGen C0027672, MeSH D009386, MONDO:0015356.
Multiple endocrine neoplasia, type 2 (MEN2). Identifiers: Orphanet 653, MedGen C4048306, MONDO:0019003. Disease mechanism: gain of function.
RET-related disorder. Also called: RET-related disorders; RET-related condition; RET-related disease.

Allele frequency attached by ClinVar (database versions not stated): TOPMed below 0.00001; gnomAD 0.00001.

Submissions (3):

PreventionGenetics, part of Exact Sciences
Classification: Likely benign for RET-related condition. Last evaluated: 2025-02-18. Review status: criteria provided, single submitter. Criteria: ACMG Guidelines, 2015. Collection method: clinical testing. Allele origin: germline.
Comment: This variant is classified as likely benign based on ACMG/AMP sequence variant interpretation guidelines (Richards et al. 2015 PMID: 25741868, with internal and published modifications).

Labcorp Genetics (formerly Invitae), Labcorp
Classification: Likely benign for Multiple endocrine neoplasia, type 2. Last evaluated: 2024-02-06. Review status: criteria provided, single submitter. Criteria: Invitae Variant Classification Sherloc (09022015). Collection method: clinical testing. Allele origin: germline.

Ambry Genetics
Classification: Likely benign for Hereditary cancer-predisposing syndrome. Last evaluated: 2021-05-14. Review status: criteria provided, single submitter. Criteria: Ambry Variant Classification Scheme 2023. Collection method: clinical testing. Allele origin: germline.

NM_020975.6(RET):c.480C>G (p.Leu160=)

Gene: RET (ret proto-oncogene; plus strand). Cytogenetic location: 10q11.21.
Variant type: single nucleotide variant.
Coding change: c.480C>G on transcript NM_020975.6 (MANE Select); coding-DNA position 480, C replaced by G.
Protein change: p.Leu160=; no amino-acid change (leucine 160 retained).
Molecular consequence: synonymous variant. On other transcripts: intron variant (15).
Genome position (GRCh38, 1-based): chr10:43,102,484, C>G. VCF-style: chr10-43102484-C-G. GRCh37 (hg19) VCF-style: chr10-43597932-C-G.
Other names: c.480C>G, p.Leu160= (NM_000323.2, NM_001406743.1, NM_001406744.1 and 16 more transcripts); c.351C>G, p.Leu117= (NM_001406761.1, NM_001406762.1, NM_001406764.1 and 4 more transcripts); c.337+1762C>G (NM_001406770.1, NM_001406766.1, NM_001406767.1 and 8 more transcripts); c.74-6547C>G (NM_001406784.1); c.74-9615C>G (NM_001406794.1, NM_001406792.1, NM_001406793.1).
Identifiers: ClinVar variation 1577622 (VCV001577622.12), dbSNP rs1837662149, ClinGen allele CA469279601.